The following is an entry in ClinVar:

NM_201384.3(PLEC):c.11044G>A (p.Ala3682Thr)

Gene: PLEC (plectin; minus strand). Cytogenetic location: 8q24.3.
Variant type: single nucleotide variant.
Coding change: c.11044G>A on transcript NM_201384.3 (MANE Select); coding-DNA position 11044, G replaced by A.
Protein change: p.Ala3682Thr; replaces alanine 3682 with threonine.
Molecular consequence: missense variant.
Genome position (GRCh38, 1-based): chr8:143,918,777, C>T on the plus strand (G>A on the coding strand, the complement: PLEC is on the minus strand). VCF-style: chr8-143918777-C-T. GRCh37 (hg19) VCF-style: chr8-144992945-C-T.
Other names: c.11125G>A, p.Ala3709Thr (NM_000445.5); c.11002G>A, p.Ala3668Thr (NM_201378.4); c.10978G>A, p.Ala3660Thr (NM_201379.3); c.11455G>A, p.Ala3819Thr (NM_201380.4); c.10948G>A, p.Ala3650Thr (NM_201381.3); c.11044G>A, p.Ala3682Thr (NM_201382.4); c.11056G>A, p.Ala3686Thr (NM_201383.3); c.11125G>A (NM_000445.3); short protein forms A3650T, A3660T, A3668T, A3682T, A3686T, A3709T, A3819T.
Identifiers: ClinVar variation 1062582 (VCV001062582.8), dbSNP rs782569437, ClinGen allele CA4924449.

ClinVar aggregate classification (germline): Uncertain significance. Review status: criteria provided, multiple submitters, no conflicts (2 of 4 stars). 2 submissions from 2 submitters: Uncertain significance (2). Last evaluated 2025-09-09.

Conditions:
Epidermolysis bullosa simplex with nail dystrophy (EBS5D). Identifiers: MedGen C4225309, MONDO:0014661, OMIM 616487.
Epidermolysis bullosa simplex 5C, with pyloric atresia (EBS5C). Also called: PLEC-Related Epidermolysis Bullosa with Pyloric Atresia; Epidermolysis bullosa simplex with pyloric atresia; PLEC1-Related Epidermolysis Bullosa with Pyloric Atresia. Identifiers: Orphanet 158684, MedGen C2677349, MONDO:0012807, OMIM 612138.
Epidermolysis bullosa simplex 5B, with muscular dystrophy (EBS5B). Also called: Epidermolysis bullosa simplex with muscular dystrophy; EPIDERMOLYSIS BULLOSA SIMPLEX AND LIMB-GIRDLE MUSCULAR DYSTROPHY. Identifiers: Orphanet 257, MedGen C2931072, MONDO:0009181, OMIM 226670.
Epidermolysis bullosa simplex, Ogna type (EBS5A). Also called: Pidermolysis bullosa simplex 5A, Ogna type; EPIDERMOLYSIS BULLOSA SIMPLEX 5A, OGNA TYPE. Identifiers: Orphanet 79401, MedGen C0432317, MONDO:0007555, OMIM 131950.
Autosomal recessive limb-girdle muscular dystrophy type 2Q (LGMDR17). Also called: MUSCULAR DYSTROPHY, LIMB-GIRDLE, AUTOSOMAL RECESSIVE 17. Identifiers: Orphanet 254361, MedGen C3150989, MONDO:0013390, OMIM 613723.
Inborn genetic diseases. Identifiers: MedGen C0950123, MeSH D030342.

Allele frequency attached by ClinVar (database versions not stated): ExAC 0.00002; gnomAD exomes 0.00002.
gnomAD v4.1: 97 of 1,612,944 alleles (0.006%); highest among the groups gnomAD compares: Non-Finnish European, 0.0076%; no homozygotes.

Submissions (2):

Ambry Genetics
Classification: Uncertain significance for Inborn genetic diseases. Last evaluated: 2025-09-09. Review status: criteria provided, single submitter. Criteria: Ambry Variant Classification Scheme 2023. Collection method: clinical testing. Allele origin: germline.

Labcorp Genetics (formerly Invitae), Labcorp
Classification: Uncertain significance for Autosomal recessive limb-girdle muscular dystrophy type 2Q; Epidermolysis bullosa simplex, Ogna type; Epidermolysis bullosa simplex with nail dystrophy; Epidermolysis bullosa simplex 5C, with pyloric atresia; Epidermolysis bullosa simplex 5B, with muscular dystrophy. Last evaluated: 2024-11-11. Review status: criteria provided, single submitter. Criteria: Invitae Variant Classification Sherloc (09022015). Collection method: clinical testing. Allele origin: germline.
Comment: This sequence change replaces alanine, which is neutral and non-polar, with threonine, which is neutral and polar, at codon 3709 of the PLEC protein (p.Ala3709Thr). This variant is present in population databases (rs782569437, gnomAD 0.005%). This variant has not been reported in the literature in individuals affected with PLEC-related conditions. ClinVar contains an entry for this variant (Variation ID: 1062582). An algorithm developed to predict the effect of missense changes on protein structure and function outputs the following: PolyPhen-2: "Benign". The threonine amino acid residue is found in multiple mammalian species, which suggests that this missense change does not adversely affect protein function. In summary, the available evidence is currently insufficient to determine the role of this variant in disease. Therefore, it has been classified as a Variant of Uncertain Significance.